The following is an entry in ClinVar:

ClinVar aggregate classification (germline): Pathogenic (1 of 4 stars; one submission).

Conditions:
Fanconi anemia (FA). Also called: Fanconi's anemia. Identifiers: Orphanet 84, MedGen C0015625, MeSH D005199, MONDO:0019391.

Submission:

Labcorp Genetics (formerly Invitae), Labcorp
Classification: Pathogenic for Fanconi anemia. Last evaluated: 2022-04-28. Review status: criteria provided, single submitter. Criteria: Invitae Variant Classification Sherloc (09022015). Collection method: clinical testing. Allele origin: germline.
Comment: A gross deletion of the genomic region encompassing the full coding sequence of the SLX4 gene has been identified. Loss-of-function variants in SLX4 are known to be pathogenic (PMID: 21240277). The boundaries of this event are unknown as they extend beyond the assayed region for this gene and therefore may encompass additional genes. Isolated whole-gene deletion of SLX4 have not been reported in the literature. However, larger copy number events that include this gene have been reported (PMID: 28678401). For these reasons, this variant has been classified as Pathogenic.

Literature cited by the submitters: PubMed 21240277; PubMed 28678401.

NC_000016.9:g.(?_3632343)_(3658965_?)del

Gene: SLX4 (SLX4 structure-specific endonuclease subunit; minus strand). Cytogenetic location: 16p13.3.
Variant type: Deletion.
Identifiers: ClinVar variation 1459393 (VCV001459393.6).